The following is an entry in ClinVar:

NM_080552.3(SLC32A1):c.582C>A (p.Cys194Ter)

Gene: SLC32A1 (solute carrier family 32 member 1; plus strand). Cytogenetic location: 20q11.23.
Variant type: single nucleotide variant.
Coding change: c.582C>A on transcript NM_080552.3 (MANE Select); coding-DNA position 582, C replaced by A.
Protein change: p.Cys194Ter; replaces cysteine 194 with a stop codon.
Molecular consequence: nonsense.
Genome position (GRCh38, 1-based): chr20:38,727,643, C>A. VCF-style: chr20-38727643-C-A. GRCh37 (hg19) VCF-style: chr20-37356286-C-A.
Other names: short protein forms C194*.
Identifiers: ClinVar variation 4727890 (VCV004727890.1).

ClinVar aggregate classification (germline): Uncertain significance (1 of 4 stars; one submission).

Submission:

Labcorp Genetics (formerly Invitae), Labcorp
Classification: Uncertain significance. Last evaluated: 2025-09-26. Review status: criteria provided, single submitter. Criteria: Invitae Variant Classification Sherloc (09022015). Collection method: clinical testing. Allele origin: germline.
Comment: This sequence change creates a premature translational stop signal (p.Cys194*) in the SLC32A1 gene. While this is not anticipated to result in nonsense mediated decay, it is expected to disrupt the last 332 amino acid(s) of the SLC32A1 protein. This variant is not present in population databases (gnomAD no frequency). This premature translational stop signal has been observed in individual(s) with clinical features of SLC32A1-related conditions (internal data). Experimental studies and prediction algorithms are not available or were not evaluated, and the functional significance of this variant is currently unknown. In summary, the available evidence is currently insufficient to determine the role of this variant in disease. Therefore, it has been classified as a Variant of Uncertain Significance.